The following is an entry in ClinVar:

NM_004082.5(DCTN1):c.864G>C (p.Glu288Asp)

Gene: DCTN1 (dynactin subunit 1; minus strand). Cytogenetic location: 2p13.1.
Variant type: single nucleotide variant.
Coding change: c.864G>C on transcript NM_004082.5 (MANE Select); coding-DNA position 864, G replaced by C.
Protein change: p.Glu288Asp; replaces glutamic acid 288 with aspartic acid.
Molecular consequence: missense variant. On other transcripts: non-coding transcript variant (1).
Genome position (GRCh38, 1-based): chr2:74,370,805, C>G on the plus strand (G>C on the coding strand, the complement: DCTN1 is on the minus strand). VCF-style: chr2-74370805-C-G. GRCh37 (hg19) VCF-style: chr2-74597932-C-G.
Other names: c.804G>C, p.Glu268Asp (NM_001135040.3); c.462G>C, p.Glu154Asp (NM_001135041.3, NM_023019.4); c.753G>C, p.Glu251Asp (NM_001190836.2); c.843G>C, p.Glu281Asp (NM_001190837.2); c.813G>C, p.Glu271Asp (NM_001378991.1); c.795G>C, p.Glu265Asp (NM_001378992.1); short protein forms E265D, E271D, E251D, E268D, E154D, E281D, E288D.
Identifiers: ClinVar variation 970964 (VCV000970964.10), dbSNP rs1042083899, ClinGen allele CA50477066.
Genomic context (GRCh38, chr2:74,370,805, plus strand): 5'-AGTGGCCATCTCAATGGCATCAGCAGTATCAGCCATCTCCTCCATATAGCGTTCCTTTGC[C>G]TCCAGCGCCTCCTTGGCTTCCTGAGGAAGAAGTGGAGGTGGGAGGGGGTACCAGCACAGA-3'
Protein context (NP_004073.2, residues 278-298): EARKEAKEAL[Glu288Asp]AKERYMEEMA

ClinVar aggregate classification (germline): Uncertain significance (1 of 4 stars; one submission).

Conditions:
Amyotrophic lateral sclerosis type 1 (ALS1). Also called: AMYOTROPHIC LATERAL SCLEROSIS 1, FAMILIAL. Identifiers: Orphanet 803, MedGen C1862939, MONDO:0007103, OMIM 105400.
Perry syndrome. Also called: PARKINSONISM WITH ALVEOLAR HYPOVENTILATION AND MENTAL DEPRESSION. Identifiers: Orphanet 178509, MedGen C1868594, MONDO:0008201, OMIM 168605.
Neuronopathy, distal hereditary motor, type 7B. Also called: Distal Hereditary Motor Neuronopathy Type 7B (dHMN7B); HMN VIIB; LOWER MOTOR NEURON DISEASE, DYNACTIN TYPE; NEURONOPATHY, DISTAL HEREDITARY MOTOR, AUTOSOMAL DOMINANT 14; NEURONOPATHY, DISTAL HEREDITARY MOTOR, HARDING TYPE VIIB; NEUROPATHY, DISTAL HEREDITARY MOTOR, HARDING TYPE VIIB. Identifiers: Orphanet 139589, MedGen C1843315, MONDO:0011879, OMIM 607641.

Allele frequency attached by ClinVar (database versions not stated): gnomAD exomes below 0.00001 and 0.00001; gnomAD 0.00001; TOPMed 0.00001.
gnomAD v4.1: 3 of 1,614,130 alleles (0.00019%); highest among the groups gnomAD compares: Non-Finnish European, 0.00025%; no homozygotes.

Submission:

Labcorp Genetics (formerly Invitae), Labcorp
Classification: Uncertain significance for Amyotrophic lateral sclerosis type 1; Neuronopathy, distal hereditary motor, type 7B; Perry syndrome. Last evaluated: 2022-11-08. Review status: criteria provided, single submitter. Criteria: Invitae Variant Classification Sherloc (09022015). Collection method: clinical testing. Allele origin: germline.
Comment: ClinVar contains an entry for this variant (Variation ID: 970964). Advanced modeling of protein sequence and biophysical properties (such as structural, functional, and spatial information, amino acid conservation, physicochemical variation, residue mobility, and thermodynamic stability) performed at Invitae indicates that this missense variant is not expected to disrupt DCTN1 protein function. In summary, the available evidence is currently insufficient to determine the role of this variant in disease. Therefore, it has been classified as a Variant of Uncertain Significance. This variant has not been reported in the literature in individuals affected with DCTN1-related conditions. This variant is present in population databases (no rsID available, gnomAD 0.002%). This sequence change replaces glutamic acid, which is acidic and polar, with aspartic acid, which is acidic and polar, at codon 288 of the DCTN1 protein (p.Glu288Asp).